The following is an entry in ClinVar:

ClinVar aggregate classification (germline): Uncertain significance. Review status: criteria provided, multiple submitters, no conflicts (2 of 4 stars). 2 submissions from 2 submitters: Uncertain significance (2). Last evaluated 2024-05-27.

Conditions:
Bethlem myopathy 1A. Also called: MYOPATHY, BENIGN CONGENITAL, WITH CONTRACTURES; Bethlem myopathy 1; Bethlem Muscular Dystrophy. Identifiers: Orphanet 610, MedGen CN029274, MONDO:0024530, OMIM 158810.

Allele frequency attached by ClinVar (database versions not stated): gnomAD 0.00001.
gnomAD v4.1: 1 of 1,613,770 alleles (0.000062%); highest among the groups gnomAD compares: African/African-American, 0.0013%; no homozygotes.

Submissions (2):

Labcorp Genetics (formerly Invitae), Labcorp
Classification: Uncertain significance for Bethlem myopathy 1A. Last evaluated: 2024-05-27. Review status: criteria provided, single submitter. Criteria: Invitae Variant Classification Sherloc (09022015). Collection method: clinical testing. Allele origin: germline.
Comment: This sequence change replaces leucine, which is neutral and non-polar, with proline, which is neutral and non-polar, at codon 43 of the COL6A3 protein (p.Leu43Pro). This variant is not present in population databases (gnomAD no frequency). This variant has not been reported in the literature in individuals affected with COL6A3-related conditions. ClinVar contains an entry for this variant (Variation ID: 2440445). Advanced modeling of protein sequence and biophysical properties (such as structural, functional, and spatial information, amino acid conservation, physicochemical variation, residue mobility, and thermodynamic stability) performed at Invitae indicates that this missense variant is not expected to disrupt COL6A3 protein function with a negative predictive value of 95%. In summary, the available evidence is currently insufficient to determine the role of this variant in disease. Therefore, it has been classified as a Variant of Uncertain Significance.

Revvity Omics, Revvity
Classification: Uncertain significance. Last evaluated: 2020-02-29. Review status: criteria provided, single submitter. Criteria: ACMG Guidelines, 2015. Collection method: clinical testing. Allele origin: germline.

NM_004369.4(COL6A3):c.128T>C (p.Leu43Pro)

Gene: COL6A3 (collagen type VI alpha 3 chain; minus strand). Cytogenetic location: 2q37.3.
Variant type: single nucleotide variant.
Coding change: c.128T>C on transcript NM_004369.4 (MANE Select); coding-DNA position 128, T replaced by C.
Protein change: p.Leu43Pro; replaces leucine 43 with proline.
Molecular consequence: missense variant. On other transcripts: intron variant (4).
Genome position (GRCh38, 1-based): chr2:237,395,168, A>G on the plus strand (T>C on the coding strand, the complement: COL6A3 is on the minus strand). VCF-style: chr2-237395168-A-G. GRCh37 (hg19) VCF-style: chr2-238303811-A-G.
Other names: c.91+1559T>C (NM_057166.5, NM_057167.4, NM_057164.5 and 1 more transcripts); short protein forms L43P.
Identifiers: ClinVar variation 2440445 (VCV002440445.5), dbSNP rs2106388857, ClinGen allele CA351228376.
Genomic context (GRCh38, chr2:237,395,168, plus strand): 5'-TATAGAAACTCTCGAACAAGTTGGAAATGTTCCTCTCCAATGGTCCAAGAGGAATCCACT[A>G]GAAATATTATATCAGCAGCCGCACCATTTTTGACATCTTTAAAAAAAGACATTGGTTTAG-3'
Protein context (NP_004360.2, residues 33-53): KNGAAADIIF[Leu43Pro]VDSSWTIGEE